The following is an entry in ClinVar:

ClinVar aggregate classification (germline): Likely benign (1 of 4 stars; one submission).

gnomAD v4.1: 10,854 of 1,558,990 alleles (0.7%); highest among the groups gnomAD compares: Admixed American, 0.81%; 447 homozygotes.

Submission:

CeGaT Center for Human Genetics Tuebingen
Classification: Likely benign. Last evaluated: 2026-06-01. Review status: criteria provided, single submitter. Criteria: CeGaT Center For Human Genetics Tuebingen Variant Classification Criteria Version 2. Collection method: clinical testing. Allele origin: germline. Affected: yes. Observed: 6 variant alleles.
Comment: ADAMTS7: BP4, BS2

NM_014272.5(ADAMTS7):c.3371T>C (p.Val1124Ala)

Gene: ADAMTS7 (ADAM metallopeptidase with thrombospondin type 1 motif 7; minus strand). Cytogenetic location: 15q25.1.
Variant type: single nucleotide variant.
Coding change: c.3371T>C on transcript NM_014272.5 (MANE Select); coding-DNA position 3371, T replaced by C.
Protein change: p.Val1124Ala; replaces valine 1124 with alanine.
Molecular consequence: missense variant.
Genome position (GRCh38, 1-based): chr15:78,766,540, A>G on the plus strand (T>C on the coding strand, the complement: ADAMTS7 is on the minus strand). VCF-style: chr15-78766540-A-G. GRCh37 (hg19) VCF-style: chr15-79058882-A-G.
Other names: short protein forms V1124A.
Identifiers: ClinVar variation 3898298 (VCV003898298.7).